The following is an entry in ClinVar:

NM_012062.5(DNM1L):c.164C>T (p.Thr55Ile)

Gene: DNM1L (dynamin 1 like; plus strand). Cytogenetic location: 12p11.21.
Variant type: single nucleotide variant.
Coding change: c.164C>T on transcript NM_012062.5 (MANE Select); coding-DNA position 164, C replaced by T.
Protein change: p.Thr55Ile; replaces threonine 55 with isoleucine.
Molecular consequence: missense variant. On other transcripts: 5 prime UTR variant (1).
Genome position (GRCh38, 1-based): chr12:32,701,476, C>T. VCF-style: chr12-32701476-C-T. GRCh37 (hg19) VCF-style: chr12-32854410-C-T.
Other names: c.164C>T, p.Thr55Ile (NM_001278463.2, NM_001278464.2, NM_001278465.2 and 3 more transcripts); c.-42C>T (NM_001278466.2); short protein forms T55I.
Identifiers: ClinVar variation 4680888 (VCV004680888.1).

ClinVar aggregate classification (germline): Uncertain significance (1 of 4 stars; one submission).

gnomAD v4.1: 1 of 1,613,734 alleles (0.000062%); highest among the groups gnomAD compares: Non-Finnish European, 0.000085%; no homozygotes.

Submission:

GeneDx
Classification: Uncertain significance. Last evaluated: 2025-06-30. Review status: criteria provided, single submitter. Criteria: GeneDx Variant Classification Process June 2021. Collection method: clinical testing. Allele origin: germline. Affected: yes.
Comment: Not observed at significant frequency in large population cohorts (gnomAD); In silico analysis supports that this missense variant has a deleterious effect on protein structure/function; Has not been previously published as pathogenic or benign to our knowledge